The following is an entry in ClinVar:

NM_017654.4(SAMD9):c.3042G>T (p.Glu1014Asp)

Gene: SAMD9 (sterile alpha motif domain containing 9; minus strand). Cytogenetic location: 7q21.2.
Variant type: single nucleotide variant.
Coding change: c.3042G>T on transcript NM_017654.4 (MANE Select); coding-DNA position 3042, G replaced by T.
Protein change: p.Glu1014Asp; replaces glutamic acid 1014 with aspartic acid.
Molecular consequence: missense variant.
Genome position (GRCh38, 1-based): chr7:93,103,056, C>A on the plus strand (G>T on the coding strand, the complement: SAMD9 is on the minus strand). VCF-style: chr7-93103056-C-A. GRCh37 (hg19) VCF-style: chr7-92732369-C-A.
Other names: c.3042G>T, p.Glu1014Asp (NM_001193307.2); short protein forms E1014D.
Identifiers: ClinVar variation 1313016 (VCV001313016.4), dbSNP rs2116416042, ClinGen allele CA368188964.

ClinVar aggregate classification (germline): Uncertain significance. Review status: criteria provided, multiple submitters, no conflicts (2 of 4 stars). 3 submissions from 3 submitters: Uncertain significance (3). Last evaluated 2025-10-10.

Conditions:
Inborn genetic diseases. Identifiers: MedGen C0950123, MeSH D030342.

Submissions (3):

Ambry Genetics
Classification: Uncertain significance for Inborn genetic diseases. Last evaluated: 2025-10-10. Review status: criteria provided, single submitter. Criteria: Ambry Variant Classification Scheme 2023. Collection method: clinical testing. Allele origin: germline.
Comment: The p.E1014D variant (also known as c.3042G>T), located in coding exon 1 of the SAMD9 gene, results from a G to T substitution at nucleotide position 3042. The glutamic acid at codon 1014 is replaced by aspartic acid, an amino acid with highly similar properties. This amino acid position is conserved. In addition, this alteration is predicted to be tolerated by in silico analysis. Based on the available evidence, the clinical significance of this variant remains unclear.

Blueprint Genetics
Classification: Uncertain significance. Last evaluated: 2024-04-26. Review status: criteria provided, single submitter. Criteria: ACMG Guidelines, 2015. Collection method: clinical testing. Allele origin: germline.

GeneDx
Classification: Uncertain significance. Last evaluated: 2020-07-08. Review status: criteria provided, single submitter. Criteria: GeneDx Variant Classification Process June 2021. Collection method: clinical testing. Allele origin: germline. Affected: yes.
Comment: Not observed in large population cohorts (Lek 2016); In silico analysis supports that this missense variant does not alter protein structure/function; Has not been previously published as pathogenic or benign to our knowledge